The following is an entry in ClinVar:

ClinVar aggregate classification (germline): Uncertain significance. Review status: criteria provided, multiple submitters, no conflicts (2 of 4 stars). 2 submissions from 2 submitters: Uncertain significance (2). Last evaluated 2025-10-07.

Conditions:
Hereditary cancer-predisposing syndrome. Also called: Neoplastic Syndromes, Hereditary; Tumor predisposition; Hereditary Cancer Syndrome; Hereditary neoplastic syndrome. Identifiers: Orphanet 140162, MedGen C0027672, MeSH D009386, MONDO:0015356.
Familial adenomatous polyposis 1 (FAP1). Also called: FAMILIAL ADENOMATOUS POLYPOSIS 1, ATTENUATED; POLYPOSIS, ADENOMATOUS INTESTINAL. Identifiers: MedGen C2713442, MONDO:0021056, OMIM 175100. Disease mechanism: loss of function.

Allele frequency attached by ClinVar (database versions not stated): TOPMed below 0.00001; ExAC 0.00001; gnomAD 0.00001; 1000 Genomes Project 30x 0.00016; 1000 Genomes Project 0.00020.
gnomAD v4.1: 1 of 1,614,144 alleles (0.000062%); highest among the groups gnomAD compares: East Asian, 0.0022%; no homozygotes.

Submissions (2):

Labcorp Genetics (formerly Invitae), Labcorp
Classification: Uncertain significance for Familial adenomatous polyposis 1. Last evaluated: 2025-10-07. Review status: criteria provided, single submitter. Criteria: Invitae Variant Classification Sherloc (09022015). Collection method: clinical testing. Allele origin: germline.
Comment: This sequence change replaces glutamine, which is neutral and polar, with histidine, which is basic and polar, at codon 1230 of the APC protein (p.Gln1230His). This variant is present in population databases (rs147268065, gnomAD 0.006%). This variant has not been reported in the literature in individuals affected with APC-related conditions. ClinVar contains an entry for this variant (Variation ID: 1733965). Invitae Evidence Modeling of protein sequence and biophysical properties (such as structural, functional, and spatial information, amino acid conservation, physicochemical variation, residue mobility, and thermodynamic stability) indicates that this missense variant is not expected to disrupt APC protein function with a negative predictive value of 95%. In summary, the available evidence is currently insufficient to determine the role of this variant in disease. Therefore, it has been classified as a Variant of Uncertain Significance.

Ambry Genetics
Classification: Uncertain significance for Hereditary cancer-predisposing syndrome. Last evaluated: 2025-09-24. Review status: criteria provided, single submitter. Criteria: Ambry Variant Classification Scheme 2023. Collection method: clinical testing. Allele origin: germline.
Comment: The p.Q1230H variant (also known as c.3690G>C), located in coding exon 15 of the APC gene, results from a G to C substitution at nucleotide position 3690. The glutamine at codon 1230 is replaced by histidine, an amino acid with highly similar properties. This amino acid position is highly conserved in available vertebrate species. In addition, in silico predictors for this gene do not accurately predict pathogenicity. Missense alterations in APC are not a common cause of disease (Spier I et al. Genet Med. 2024 Feb;26(2):100992). Based on the available evidence, the clinical significance of this variant remains unclear.

NM_000038.6(APC):c.3690G>C (p.Gln1230His)

Gene: APC (APC regulator of Wnt signaling pathway; plus strand). Cytogenetic location: 5q22.2.
Variant type: single nucleotide variant.
Coding change: c.3690G>C on transcript NM_000038.6 (MANE Select); coding-DNA position 3690, G replaced by C.
Protein change: p.Gln1230His; replaces glutamine 1230 with histidine.
Molecular consequence: missense variant.
Genome position (GRCh38, 1-based): chr5:112,839,284, G>C. VCF-style: chr5-112839284-G-C. GRCh37 (hg19) VCF-style: chr5-112174981-G-C.
Other names: c.2538G>C, p.Gln846His (NM_001407472.1, NM_001407471.1); c.3690G>C, p.Gln1230His (NM_001127510.3, NM_001354895.2, NM_001407450.1); c.3636G>C, p.Gln1212His (NM_001127511.3); c.3744G>C, p.Gln1248His (NM_001354896.2, NM_001407447.1, NM_001407448.1 and 1 more transcripts); c.3720G>C, p.Gln1240His (NM_001354897.2); c.3615G>C, p.Gln1205His (NM_001354898.2); c.3606G>C, p.Gln1202His (NM_001354899.2); c.3567G>C, p.Gln1189His (NM_001354900.2); and 11 more; short protein forms Q1104H, Q1171H, Q1189H, Q1223H, Q1230H, Q1070H, Q1101H, Q1240H.
Identifiers: ClinVar variation 1733965 (VCV001733965.4), dbSNP rs147268065, ClinGen allele CA036269.